The following is an entry in ClinVar:

ClinVar aggregate classification (germline): Uncertain significance. Review status: criteria provided, multiple submitters, no conflicts (2 of 4 stars). 2 submissions from 2 submitters: Uncertain significance (2). Last evaluated 2022-07-26.

Submissions (2):

Labcorp Genetics (formerly Invitae), Labcorp
Classification: Uncertain significance. Last evaluated: 2022-07-26. Review status: criteria provided, single submitter. Criteria: Invitae Variant Classification Sherloc (09022015). Collection method: clinical testing. Allele origin: germline.
Comment: This sequence change replaces valine, which is neutral and non-polar, with alanine, which is neutral and non-polar, at codon 1109 of the ERCC6L2 protein (p.Val1109Ala). This variant is not present in population databases (gnomAD no frequency). This variant has not been reported in the literature in individuals affected with ERCC6L2-related conditions. ClinVar contains an entry for this variant (Variation ID: 1678267). Algorithms developed to predict the effect of missense changes on protein structure and function are either unavailable or do not agree on the potential impact of this missense change (SIFT: "Deleterious"; PolyPhen-2: "Not Available"; Align-GVGD: "Class C0"). In summary, the available evidence is currently insufficient to determine the role of this variant in disease. Therefore, it has been classified as a Variant of Uncertain Significance.

AiLife Diagnostics
Classification: Uncertain significance. Last evaluated: 2020-07-07. Review status: criteria provided, single submitter. Criteria: ACMG Guidelines, 2015. Collection method: clinical testing. Allele origin: germline. Affected: yes. Observed: 1 variant allele.

NM_020207.7(ERCC6L2):c.3293T>C (p.Val1098Ala)

Gene: ERCC6L2 (ERCC excision repair 6 like 2; plus strand). Cytogenetic location: 9q22.32.
Variant type: single nucleotide variant.
Coding change: c.3293T>C on transcript NM_020207.7 (MANE Select); coding-DNA position 3293, T replaced by C.
Protein change: p.Val1098Ala; replaces valine 1098 with alanine.
Molecular consequence: missense variant. On other transcripts: non-coding transcript variant (1).
Genome position (GRCh38, 1-based): chr9:95,973,044, T>C. VCF-style: chr9-95973044-T-C. GRCh37 (hg19) VCF-style: chr9-98735326-T-C.
Other names: c.3293T>C, p.Val1098Ala (NM_001375291.1, NM_001375292.1, NM_001375293.1 and 1 more transcripts); short protein forms V1098A.
Identifiers: ClinVar variation 1678267 (VCV001678267.3), dbSNP rs2133084457, ClinGen allele CA2573144793.